The following is an entry in ClinVar:

ClinVar aggregate classification (germline): Likely benign. Review status: criteria provided, multiple submitters, no conflicts (2 of 4 stars). 3 submissions from 3 submitters: Likely benign (3). Last evaluated 2026-07-31.

Conditions:
WDR37-related disorder. Also called: WDR37-related condition.
Inborn genetic diseases. Identifiers: MedGen C0950123, MeSH D030342.

Allele frequency attached by ClinVar (database versions not stated): gnomAD 0.00027; ExAC 0.00031; TOPMed 0.00032; ESP Exome Variant Server 0.00038; gnomAD exomes 0.00045.
gnomAD v4.1: 690 of 1,613,874 alleles (0.043%); highest among the groups gnomAD compares: Non-Finnish European, 0.055%; no homozygotes.

Submissions (3):

PreventionGenetics, part of Exact Sciences
Classification: Likely benign for WDR37-related condition. Last evaluated: 2026-07-31. Review status: criteria provided, single submitter. Criteria: ACMG Guidelines, 2015. Collection method: clinical testing. Allele origin: germline.
Comment: This variant is classified as likely benign based on ACMG/AMP sequence variant interpretation guidelines (Richards et al. 2015 PMID: 25741868, with internal and published modifications).

CeGaT Center for Human Genetics Tuebingen
Classification: Likely benign. Last evaluated: 2023-08-01. Review status: criteria provided, single submitter. Criteria: CeGaT Center For Human Genetics Tuebingen Variant Classification Criteria Version 2. Collection method: clinical testing. Allele origin: germline. Affected: yes. Observed: 1 variant allele.
Comment: WDR37: BS2

Ambry Genetics
Classification: Likely benign for Inborn genetic diseases. Last evaluated: 2022-07-13. Review status: criteria provided, single submitter. Criteria: Ambry Variant Classification Scheme 2023. Collection method: clinical testing. Allele origin: germline.

NM_014023.4(WDR37):c.539C>T (p.Thr180Met)

Gene: WDR37 (WD repeat domain 37; plus strand). Cytogenetic location: 10p15.3.
Variant type: single nucleotide variant.
Coding change: c.539C>T on transcript NM_014023.4 (MANE Select); coding-DNA position 539, C replaced by T.
Protein change: p.Thr180Met; replaces threonine 180 with methionine.
Molecular consequence: missense variant.
Genome position (GRCh38, 1-based): chr10:1,086,292, C>T. VCF-style: chr10-1086292-C-T. GRCh37 (hg19) VCF-style: chr10-1132232-C-T.
Other names: short protein forms T180M.
Identifiers: ClinVar variation 2279214 (VCV002279214.27), dbSNP rs143484988, ClinGen allele CA5384029.